The following is an entry in ClinVar:

NM_001145026.2(PTPRQ):c.3840T>G (p.Ile1280Met)

Gene: PTPRQ (protein tyrosine phosphatase receptor type Q; plus strand). Cytogenetic location: 12q21.31.
Variant type: single nucleotide variant.
Coding change: c.3840T>G on transcript NM_001145026.2 (MANE Select); coding-DNA position 3840, T replaced by G.
Protein change: p.Ile1280Met; replaces isoleucine 1280 with methionine.
Molecular consequence: missense variant.
Genome position (GRCh38, 1-based): chr12:80,542,848, T>G. VCF-style: chr12-80542848-T-G. GRCh37 (hg19) VCF-style: chr12-80936627-T-G.
Other names: short protein forms I1280M.
Identifiers: ClinVar variation 5037492 (VCV005037492.1).

ClinVar aggregate classification (germline): Uncertain significance (1 of 4 stars; one submission).

gnomAD v4.1: 5 of 1,538,202 alleles (0.00033%); highest among the groups gnomAD compares: Non-Finnish European, 0.00044%; no homozygotes.

Submission:

GeneDx
Classification: Uncertain significance. Last evaluated: 2026-04-23. Review status: criteria provided, single submitter. Criteria: GeneDx Variant Classification Process June 2021. Collection method: clinical testing. Allele origin: germline.
Comment: Not observed at significant frequency in large population cohorts (gnomAD); In silico analysis supports that this missense variant has a deleterious effect on protein structure/function; Has not been previously published as pathogenic or benign to our knowledge